The following is an entry in ClinVar:

NM_001127208.3(TET2):c.3223G>C (p.Asp1075His)

Genes: TET2 (tet methylcytosine dioxygenase 2; plus strand), TET2-AS1 (TET2 antisense RNA 1; minus strand). Cytogenetic location: 4q24.
Variant type: single nucleotide variant.
Coding change: c.3223G>C on transcript NM_001127208.3 (MANE Select); coding-DNA position 3223, G replaced by C.
Protein change: p.Asp1075His; replaces aspartic acid 1075 with histidine.
Molecular consequence: missense variant.
Genome position (GRCh38, 1-based): chr4:105,237,165, G>C. VCF-style: chr4-105237165-G-C. GRCh37 (hg19) VCF-style: chr4-106158322-G-C.
Other names: c.3223G>C, p.Asp1075His (NM_017628.4); short protein forms D1075H.
Identifiers: ClinVar variation 3806022 (VCV003806022.1).
Genomic context (GRCh38, chr4:105,237,165, plus strand): 5'-AAAGTTGAAATGTCAGGGCCAGTCACAGTTTTGACTAGACAAACCACTGCTGCAGAACTT[G>C]ATAGCCACACCCCAGCTTTAGAGCAGCAAACAACTTCTTCAGAAAAGACACCAACCAAAA-3'
Protein context (NP_001120680.1, residues 1065-1085): LTRQTTAAEL[Asp1075His]SHTPALEQQT

ClinVar aggregate classification (germline): Uncertain significance (1 of 4 stars; one submission).

gnomAD v4.1: 4 of 1,614,038 alleles (0.00025%); highest among the groups gnomAD compares: African/African-American, 0.0053%; no homozygotes.

Submission:

Ambry Genetics
Classification: Uncertain significance. Last evaluated: 2025-02-02. Review status: criteria provided, single submitter. Criteria: Ambry Variant Classification Scheme 2023. Collection method: clinical testing. Allele origin: germline.
Comment: The p.D1075H variant (also known as c.3223G>C), located in coding exon 1 of the TET2 gene, results from a G to C substitution at nucleotide position 3223. The aspartic acid at codon 1075 is replaced by histidine, an amino acid with similar properties. This amino acid position is conserved. In addition, this alteration is predicted to be tolerated by in silico analysis. Based on the available evidence, the clinical significance of this variant remains unclear.